The following is an entry in ClinVar:

ClinVar aggregate classification (germline): Uncertain significance (1 of 4 stars; one submission).

Conditions:
Chuvash polycythemia. Also called: POLYCYTHEMIA, VHL-DEPENDENT. Identifiers: Orphanet 238557, MedGen C1837915, MONDO:0009892, OMIM 263400.
Von Hippel-Lindau syndrome (VHLS). Also called: VHL syndrome; Von Hippel-Lindau; von Hippel–Lindau syndrome. Identifiers: Orphanet 892, MedGen C0019562, MONDO:0008667, OMIM 193300. Disease mechanism: loss of function.

Submission:

Labcorp Genetics (formerly Invitae), Labcorp
Classification: Uncertain significance for Von Hippel-Lindau syndrome; Chuvash polycythemia. Last evaluated: 2023-03-29. Review status: criteria provided, single submitter. Criteria: Invitae Variant Classification Sherloc (09022015). Collection method: clinical testing. Allele origin: germline.
Comment: In summary, the available evidence is currently insufficient to determine the role of this variant in disease. Therefore, it has been classified as a Variant of Uncertain Significance. Advanced modeling of protein sequence and biophysical properties (such as structural, functional, and spatial information, amino acid conservation, physicochemical variation, residue mobility, and thermodynamic stability) performed at Invitae indicates that this missense variant is not expected to disrupt VHL protein function. ClinVar contains an entry for this variant (Variation ID: 646162). This variant has not been reported in the literature in individuals affected with VHL-related conditions. This variant is not present in population databases (gnomAD no frequency). This sequence change replaces glycine, which is neutral and non-polar, with serine, which is neutral and polar, at codon 44 of the VHL protein (p.Gly44Ser).

NM_000551.4(VHL):c.130G>A (p.Gly44Ser)

Gene: VHL (von Hippel-Lindau tumor suppressor; plus strand). Cytogenetic location: 3p25.3.
Variant type: single nucleotide variant.
Coding change: c.130G>A on transcript NM_000551.4 (MANE Select); coding-DNA position 130, G replaced by A.
Protein change: p.Gly44Ser; replaces glycine 44 with serine.
Molecular consequence: missense variant.
Genome position (GRCh38, 1-based): chr3:10,141,977, G>A. VCF-style: chr3-10141977-G-A. GRCh37 (hg19) VCF-style: chr3-10183661-G-A.
Other names: c.130G>A, p.Gly44Ser (NM_001354723.2, NM_198156.3); short protein forms G44S.
Identifiers: ClinVar variation 646162 (VCV000646162.9), dbSNP rs1575921446, ClinGen allele CA351748044.